The following is an entry in ClinVar:

NM_014319.5(LEMD3):c.943G>C (p.Gly315Arg)

Gene: LEMD3 (LEM domain containing 3; plus strand). Cytogenetic location: 12q14.3.
Variant type: single nucleotide variant.
Coding change: c.943G>C on transcript NM_014319.5 (MANE Select); coding-DNA position 943, G replaced by C.
Protein change: p.Gly315Arg; replaces glycine 315 with arginine.
Molecular consequence: missense variant.
Genome position (GRCh38, 1-based): chr12:65,170,539, G>C. VCF-style: chr12-65170539-G-C. GRCh37 (hg19) VCF-style: chr12-65564319-G-C.
Other names: c.943G>C, p.Gly315Arg (NM_001167614.2); c.943G>C (NM_014319.4); short protein forms G315R.
Identifiers: ClinVar variation 1434676 (VCV001434676.9), dbSNP rs201228238, ClinGen allele CA238907738.

ClinVar aggregate classification (germline): Uncertain significance. Review status: criteria provided, multiple submitters, no conflicts (2 of 4 stars). 2 submissions from 2 submitters: Uncertain significance (2). Last evaluated 2026-01-20.

Conditions:
Inborn genetic diseases. Identifiers: MedGen C0950123, MeSH D030342.

Allele frequency attached by ClinVar (database versions not stated): gnomAD 0.00001; gnomAD exomes 0.00001 and 0.00007; TOPMed 0.00004.
gnomAD v4.1: 112 of 1,613,968 alleles (0.0069%); highest among the groups gnomAD compares: Non-Finnish European, 0.0089%; no homozygotes.

Submissions (2):

Labcorp Genetics (formerly Invitae), Labcorp
Classification: Uncertain significance. Last evaluated: 2026-01-20. Review status: criteria provided, single submitter. Criteria: Invitae Variant Classification Sherloc (09022015). Collection method: clinical testing. Allele origin: germline.
Comment: This sequence change replaces glycine, which is neutral and non-polar, with arginine, which is basic and polar, at codon 315 of the LEMD3 protein (p.Gly315Arg). This variant is present in population databases (rs201228238, gnomAD 0.003%). This variant has not been reported in the literature in individuals affected with LEMD3-related conditions. ClinVar contains an entry for this variant (Variation ID: 1434676). Invitae Evidence Modeling of protein sequence and biophysical properties (such as structural, functional, and spatial information, amino acid conservation, physicochemical variation, residue mobility, and thermodynamic stability) indicates that this missense variant is not expected to disrupt LEMD3 protein function with a negative predictive value of 80%. In summary, the available evidence is currently insufficient to determine the role of this variant in disease. Therefore, it has been classified as a Variant of Uncertain Significance.

Ambry Genetics
Classification: Uncertain significance for Inborn genetic diseases. Last evaluated: 2023-09-22. Review status: criteria provided, single submitter. Criteria: Ambry Variant Classification Scheme 2023. Collection method: clinical testing. Allele origin: germline.